The following is an entry in ClinVar:

NM_004329.3(BMPR1A):c.1474-20A>G

Gene: BMPR1A (bone morphogenetic protein receptor type 1A; plus strand). Cytogenetic location: 10q23.2.
Variant type: single nucleotide variant.
Coding change: c.1474-20A>G on transcript NM_004329.3 (MANE Select); 20 bases into the intron before coding-DNA position 1474, A replaced by G.
Molecular consequence: intron variant.
Genome position (GRCh38, 1-based): chr10:86,923,574, A>G. VCF-style: chr10-86923574-A-G. GRCh37 (hg19) VCF-style: chr10-88683331-A-G.
Identifiers: ClinVar variation 1667212 (VCV001667212.9), dbSNP rs2133623500, ClinGen allele CA2573145702.

ClinVar aggregate classification (germline): Likely benign. Review status: criteria provided, multiple submitters, no conflicts (2 of 4 stars). 2 submissions from 2 submitters: Likely benign (2). Last evaluated 2024-08-08.

Conditions:
Juvenile polyposis syndrome (JPS). Identifiers: Orphanet 2929, MedGen C0345893, MONDO:0017380, OMIM 174900.

Submissions (2):

Myriad Genetics, Inc.
Classification: Likely benign for Juvenile polyposis syndrome. Last evaluated: 2024-08-08. Review status: criteria provided, single submitter. Criteria: Myriad Autosomal Dominant, Autosomal Recessive and X-Linked Classification Criteria (2023). Collection method: clinical testing. Allele origin: unknown.
Comment: This variant is considered likely benign. This variant is intronic and is not expected to impact mRNA splicing.

Labcorp Genetics (formerly Invitae), Labcorp
Classification: Likely benign for Juvenile polyposis syndrome. Last evaluated: 2021-06-14. Review status: criteria provided, single submitter. Criteria: Invitae Variant Classification Sherloc (09022015). Collection method: clinical testing. Allele origin: germline.